The following is an entry in ClinVar:

ClinVar aggregate classification (germline): Uncertain significance (1 of 4 stars; one submission).

Allele frequency attached by ClinVar (database versions not stated): TOPMed below 0.00001.

Submission:

Labcorp Genetics (formerly Invitae), Labcorp
Classification: Uncertain significance. Last evaluated: 2022-07-09. Review status: criteria provided, single submitter. Criteria: Invitae Variant Classification Sherloc (09022015). Collection method: clinical testing. Allele origin: germline.
Comment: This sequence change replaces leucine, which is neutral and non-polar, with phenylalanine, which is neutral and non-polar, at codon 399 of the ADGRV1 protein (p.Leu399Phe). This variant is not present in population databases (gnomAD no frequency). This variant has not been reported in the literature in individuals affected with ADGRV1-related conditions. Algorithms developed to predict the effect of missense changes on protein structure and function are either unavailable or do not agree on the potential impact of this missense change (SIFT: "Tolerated"; PolyPhen-2: "Possibly Damaging"; Align-GVGD: "Class C0"). In summary, the available evidence is currently insufficient to determine the role of this variant in disease. Therefore, it has been classified as a Variant of Uncertain Significance.

NM_032119.4(ADGRV1):c.1197G>C (p.Leu399Phe)

Gene: ADGRV1 (adhesion G protein-coupled receptor V1; plus strand). Cytogenetic location: 5q14.3.
Variant type: single nucleotide variant.
Coding change: c.1197G>C on transcript NM_032119.4 (MANE Select); coding-DNA position 1197, G replaced by C.
Protein change: p.Leu399Phe; replaces leucine 399 with phenylalanine.
Molecular consequence: missense variant. On other transcripts: non-coding transcript variant (1).
Genome position (GRCh38, 1-based): chr5:90,627,735, G>C. VCF-style: chr5-90627735-G-C. GRCh37 (hg19) VCF-style: chr5-89923552-G-C.
Other names: short protein forms L399F.
Identifiers: ClinVar variation 1958322 (VCV001958322.2), dbSNP rs1764958257, ClinGen allele CA360370366.